The following is an entry in ClinVar:

ClinVar aggregate classification (germline): Pathogenic. Review status: criteria provided, multiple submitters, no conflicts (2 of 4 stars). 3 submissions from 3 submitters: Pathogenic (3). Last evaluated 2024-04-03.

Conditions:
Becker muscular dystrophy, Cardiomyopathy, Duchenne muscular dystrophy, Dystrophin deficiency.

Submissions (3):

Natera, Inc.
Classification: Pathogenic for Becker muscular dystrophy, Cardiomyopathy, Duchenne muscular dystrophy, Dystrophin deficiency. Last evaluated: 2024-04-03. Review status: criteria provided, single submitter. Criteria: Natera Variant Classification Schema (03/2026). Collection method: clinical testing. Allele origin: germline.
Comment: The c.10279C>T variant in DMD is a nonsense variant predicted to introduce a stop codon at amino acid 3427. This variant is expected to result in nonsense mediated decay, truncation, or a dysfunctional protein product. This variant is rare in the general population with a frequency below the threshold expected for the associated phenotype(s). This variant has been observed in affected individual(s) with monoallelic occurrence (heterozygous/hemizygous) (PMID: 12398835, 28859693, 17041906). Given the available evidence, this variant is classified as Pathogenic.

CeGaT Center for Human Genetics Tuebingen
Classification: Pathogenic. Last evaluated: 2022-12-01. Review status: criteria provided, single submitter. Criteria: CeGaT Center For Human Genetics Tuebingen Variant Classification Criteria Version 2. Collection method: clinical testing. Allele origin: germline. Affected: yes. Observed: 1 variant allele.
Comment: DMD: PVS1:Strong, PM2, PS4:Moderate, PP4, PS3:Supporting

Eurofins Ntd Llc (ga)
Classification: Pathogenic. Last evaluated: 2015-10-02. Review status: criteria provided, single submitter. Criteria: EGL Classification Definitions 2015. Collection method: clinical testing. Allele origin: germline. Observed: 1 variant allele, 1 hemizygote.

Literature cited by the submitters: PubMed 12398835 (cited by Natera, Inc. and Eurofins Ntd Llc (ga)); PubMed 28859693 (cited by Natera, Inc.); PubMed 17041906 (cited by Natera, Inc. and Eurofins Ntd Llc (ga)).

NM_004006.3(DMD):c.10279C>T (p.Gln3427Ter)

Gene: DMD (dystrophin; minus strand). Cytogenetic location: Xp21.2.
Variant type: single nucleotide variant.
Coding change: c.10279C>T on transcript NM_004006.3 (MANE Select); coding-DNA position 10279, C replaced by T.
Protein change: p.Gln3427Ter; replaces glutamine 3427 with a stop codon.
Molecular consequence: nonsense. On other transcripts: intron variant (2).
Genome position (GRCh38, 1-based): chrX:31,173,588, G>A on the plus strand (C>T on the coding strand, the complement: DMD is on the minus strand). VCF-style: chrX-31173588-G-A. GRCh37 (hg19) VCF-style: chrX-31191705-G-A.
Other names: c.10255C>T, p.Gln3419Ter (NM_000109.4); c.10267C>T, p.Gln3423Ter (NM_004009.3); c.9910C>T, p.Gln3304Ter (NM_004010.3); c.6256C>T, p.Gln2086Ter (NM_004011.4); c.6247C>T, p.Gln2083Ter (NM_004012.4); c.2899C>T, p.Gln967Ter (NM_004013.3, NM_004021.3); c.2092C>T, p.Gln698Ter (NM_004014.3); c.1075C>T, p.Gln359Ter (NM_004015.3, NM_004016.3); and 4 more; short protein forms Q3427*, Q3304*, Q2083*, Q3423*, Q954*, Q2086*, Q346*, Q359*.
Identifiers: ClinVar variation 283713 (VCV000283713.35), dbSNP rs886042691, ClinGen allele CA10604571.